The following is an entry in ClinVar:

ClinVar aggregate classification (germline): Uncertain significance (1 of 4 stars; one submission).

Allele frequency attached by ClinVar (database versions not stated): 1000 Genomes Project 30x 0.00031; TOPMed 0.00002; 1000 Genomes Project 0.00040.
gnomAD v4.1: 48 of 1,614,284 alleles (0.003%); highest among the groups gnomAD compares: East Asian, 0.018%; no homozygotes.

Submission:

Labcorp Genetics (formerly Invitae), Labcorp
Classification: Uncertain significance. Last evaluated: 2025-10-01. Review status: criteria provided, single submitter. Criteria: Invitae Variant Classification Sherloc (09022015). Collection method: clinical testing. Allele origin: germline.
Comment: This sequence change replaces valine, which is neutral and non-polar, with isoleucine, which is neutral and non-polar, at codon 169 of the CLCN6 protein (p.Val169Ile). This variant is present in population databases (rs199676414, gnomAD 0.03%). This variant has not been reported in the literature in individuals affected with CLCN6-related conditions. ClinVar contains an entry for this variant (Variation ID: 2702614). An algorithm developed to predict the effect of missense changes on protein structure and function (PolyPhen-2) suggests that this variant is likely to be tolerated. In summary, the available evidence is currently insufficient to determine the role of this variant in disease. Therefore, it has been classified as a Variant of Uncertain Significance.

NM_001286.5(CLCN6):c.505G>A (p.Val169Ile)

Gene: CLCN6 (Cl-/H+ antiporter 6; plus strand). Cytogenetic location: 1p36.22.
Variant type: single nucleotide variant.
Coding change: c.505G>A on transcript NM_001286.5 (MANE Select); coding-DNA position 505, G replaced by A.
Protein change: p.Val169Ile; replaces valine 169 with isoleucine.
Molecular consequence: missense variant. On other transcripts: non-coding transcript variant (1).
Genome position (GRCh38, 1-based): chr1:11,823,758, G>A. VCF-style: chr1-11823758-G-A. GRCh37 (hg19) VCF-style: chr1-11883815-G-A.
Other names: c.439G>A, p.Val147Ile (NM_001256959.2); short protein forms V147I, V169I.
Identifiers: ClinVar variation 2702614 (VCV002702614.3), dbSNP rs199676414, ClinGen allele CA596109.